The following is an entry in ClinVar:

NM_018012.4(KIF26B):c.5505C>T (p.Ala1835=)

Gene: KIF26B (kinesin family member 26B; plus strand). Cytogenetic location: 1q44.
Variant type: single nucleotide variant.
Coding change: c.5505C>T on transcript NM_018012.4 (MANE Select); coding-DNA position 5505, C replaced by T.
Protein change: p.Ala1835=; no amino-acid change (alanine 1835 retained).
Molecular consequence: synonymous variant.
Genome position (GRCh38, 1-based): chr1:245,688,488, C>T. VCF-style: chr1-245688488-C-T. GRCh37 (hg19) VCF-style: chr1-245851790-C-T.
Identifiers: ClinVar variation 3057324 (VCV003057324.2), dbSNP rs991277900, ClinGen allele CA40574355.

ClinVar aggregate classification (germline): Likely benign (0 of 4 stars; one submission).

Conditions:
KIF26B-related disorder. Also called: KIF26B-related condition.

Allele frequency attached by ClinVar (database versions not stated): TOPMed 0.00005.
gnomAD v4.1: 60 of 1,437,348 alleles (0.0042%); highest among the groups gnomAD compares: Middle Eastern, 0.048%; no homozygotes.

Submission:

PreventionGenetics, part of Exact Sciences
Classification: Likely benign for KIF26B-related condition. Last evaluated: 2019-03-04. Review status: no assertion criteria provided. Collection method: clinical testing. Allele origin: germline.
Comment: This variant is classified as likely benign based on ACMG/AMP sequence variant interpretation guidelines (Richards et al. 2015 PMID: 25741868, with internal and published modifications).